The following is an entry in ClinVar:

ClinVar aggregate classification (germline): Likely benign (1 of 4 stars; one submission).

gnomAD v4.1: 1,007 of 1,601,688 alleles (0.063%); highest among the groups gnomAD compares: African/African-American, 1%; 5 homozygotes.

Submission:

CeGaT Center for Human Genetics Tuebingen
Classification: Likely benign. Last evaluated: 2025-06-01. Review status: criteria provided, single submitter. Criteria: CeGaT Center For Human Genetics Tuebingen Variant Classification Criteria Version 2. Collection method: clinical testing. Allele origin: germline. Affected: yes. Observed: 1 variant allele.
Comment: CLCN3: BP4, BS1

NM_001829.4(CLCN3):c.2367-8C>T

Gene: CLCN3 (Cl-/H+ antiporter 3; plus strand). Cytogenetic location: 4q33.
Variant type: single nucleotide variant.
Coding change: c.2367-8C>T on transcript NM_001829.4 (MANE Select); 8 bases into the intron before coding-DNA position 2367, C replaced by T.
Molecular consequence: intron variant.
Genome position (GRCh38, 1-based): chr4:169,719,899, C>T. VCF-style: chr4-169719899-C-T. GRCh37 (hg19) VCF-style: chr4-170641050-C-T.
Other names: c.2443-8C>T (NM_173872.4); c.2286-8C>T (NM_001243372.2, NM_001243374.2).
Identifiers: ClinVar variation 4084336 (VCV004084336.8).